The following is an entry in ClinVar:

ClinVar aggregate classification (germline): Uncertain significance (1 of 4 stars; one submission).

Conditions:
Warburg micro syndrome 2 (WARBM2). Also called: MICRO SYNDROME 2. Identifiers: Orphanet 2510, MedGen C3280214, MONDO:0013641, OMIM 614225.
Martsolf syndrome (MARTS). Also called: Congenital cataract with intellectual disability and hypogonadotropic hypogonadism syndrome. Identifiers: Orphanet 1387, MedGen C0796037, MONDO:0023910.

Allele frequency attached by ClinVar (database versions not stated): gnomAD exomes below 0.00001.
gnomAD v4.1: 12 of 1,613,892 alleles (0.00074%); highest among the groups gnomAD compares: African/African-American, 0.004%; no homozygotes.

Submission:

Labcorp Genetics (formerly Invitae), Labcorp
Classification: Uncertain significance for Martsolf syndrome; Warburg micro syndrome 2. Last evaluated: 2024-11-04. Review status: criteria provided, single submitter. Criteria: Invitae Variant Classification Sherloc (09022015). Collection method: clinical testing. Allele origin: germline.
Comment: This sequence change replaces alanine, which is neutral and non-polar, with threonine, which is neutral and polar, at codon 51 of the RAB3GAP2 protein (p.Ala51Thr). This variant is not present in population databases (gnomAD no frequency). This variant has not been reported in the literature in individuals affected with RAB3GAP2-related conditions. ClinVar contains an entry for this variant (Variation ID: 2149594). An algorithm developed to predict the effect of missense changes on protein structure and function outputs the following: PolyPhen-2: "Benign". The threonine amino acid residue is found in multiple mammalian species, which suggests that this missense change does not adversely affect protein function. In summary, the available evidence is currently insufficient to determine the role of this variant in disease. Therefore, it has been classified as a Variant of Uncertain Significance.

NM_012414.4(RAB3GAP2):c.151G>A (p.Ala51Thr)

Gene: RAB3GAP2 (RAB3 GTPase activating non-catalytic protein subunit 2; minus strand). Cytogenetic location: 1q41.
Variant type: single nucleotide variant.
Coding change: c.151G>A on transcript NM_012414.4 (MANE Select); coding-DNA position 151, G replaced by A.
Protein change: p.Ala51Thr; replaces alanine 51 with threonine.
Molecular consequence: missense variant.
Genome position (GRCh38, 1-based): chr1:220,232,828, C>T on the plus strand (G>A on the coding strand, the complement: RAB3GAP2 is on the minus strand). VCF-style: chr1-220232828-C-T. GRCh37 (hg19) VCF-style: chr1-220406170-C-T.
Other names: short protein forms A51T.
Identifiers: ClinVar variation 2149594 (VCV002149594.4), dbSNP rs113795354, ClinGen allele CA37954938.